The following is an entry in ClinVar:

NM_001039591.3(USP9X):c.2633C>T (p.Ser878Leu)

Gene: USP9X (ubiquitin specific peptidase 9 X-linked; plus strand). Cytogenetic location: Xp11.4.
Variant type: single nucleotide variant.
Coding change: c.2633C>T on transcript NM_001039591.3 (MANE Select); coding-DNA position 2633, C replaced by T.
Protein change: p.Ser878Leu; replaces serine 878 with leucine.
Molecular consequence: missense variant.
Genome position (GRCh38, 1-based): chrX:41,168,215, C>T. VCF-style: chrX-41168215-C-T. GRCh37 (hg19) VCF-style: chrX-41027468-C-T.
Other names: c.2633C>T, p.Ser878Leu (NM_001039590.3); c.2648C>T, p.Ser883Leu (NM_001410748.1, NM_001410749.1); short protein forms S878L, S883L.
Identifiers: ClinVar variation 2571868 (VCV002571868.4), dbSNP rs2147118300, ClinGen allele CA412757859.

ClinVar aggregate classification (germline): Uncertain significance. Review status: criteria provided, multiple submitters, no conflicts (2 of 4 stars). 2 submissions from 2 submitters: Uncertain significance (2). Last evaluated 2025-12-11.

Conditions:
Intellectual developmental disorder, X-linked 99, syndromic, female-restricted. Also called: Intellectual disability, X-linked 99, syndromic, female-restricted. Identifiers: MedGen C4225416, MONDO:0010502, OMIM 300968.
Intellectual developmental disorder, X-linked 99. Also called: Intellectual disability, X-linked 99. Identifiers: Orphanet 777, MedGen C3806746, MONDO:0010487, OMIM 300919.
USP9X-related disorder. Also called: USP9X-related condition.

gnomAD v4.1: 1 of 1,188,044 alleles (0.000084%); no homozygotes.

Submissions (2):

PreventionGenetics, part of Exact Sciences
Classification: Uncertain significance for USP9X-related condition. Last evaluated: 2025-12-11. Review status: criteria provided, single submitter. Criteria: ACMG Guidelines, 2015. Collection method: clinical testing. Allele origin: germline.
Comment: The USP9X c.2633C>T variant is predicted to result in the amino acid substitution p.Ser878Leu. To our knowledge, this variant has not been reported in the literature or in a large population database (gnomAD), indicating this variant is rare. At this time, the clinical significance of this variant is uncertain due to the absence of conclusive functional and genetic evidence.

GeneDx
Classification: Uncertain significance. Last evaluated: 2023-01-05. Review status: criteria provided, single submitter. Criteria: GeneDx Variant Classification Process June 2021. Collection method: clinical testing. Allele origin: germline. Affected: yes.
Comment: Not observed at significant frequency in large population cohorts (gnomAD); In silico analysis supports that this missense variant has a deleterious effect on protein structure/function; Has not been previously published as pathogenic or benign to our knowledge